The following is an entry in ClinVar:

ClinVar aggregate classification (germline): Likely pathogenic (1 of 4 stars; one submission).

Conditions:
Spastic paraplegia. Identifiers: MedGen C0037772, HP:0001258.

Submission:

Labcorp Genetics (formerly Invitae), Labcorp
Classification: Likely pathogenic for Spastic paraplegia. Last evaluated: 2023-03-23. Review status: criteria provided, single submitter. Criteria: Invitae Variant Classification Sherloc (09022015). Collection method: clinical testing. Allele origin: germline.
Comment: This sequence change replaces histidine, which is basic and polar, with aspartic acid, which is acidic and polar, at codon 4337 of the SACS protein (p.His4337Asp). This variant is not present in population databases (gnomAD no frequency). This missense change has been observed in individual(s) with autosomal recessive spastic ataxia of Charlevoix-Saguenay (Invitae). In at least one individual the data is consistent with being in trans (on the opposite chromosome) from a pathogenic variant. ClinVar contains an entry for this variant (Variation ID: 527992). Advanced modeling of protein sequence and biophysical properties (such as structural, functional, and spatial information, amino acid conservation, physicochemical variation, residue mobility, and thermodynamic stability) performed at Invitae indicates that this missense variant is expected to disrupt SACS protein function. In summary, the currently available evidence indicates that the variant is pathogenic, but additional data are needed to prove that conclusively. Therefore, this variant has been classified as Likely Pathogenic.

NM_014363.6(SACS):c.13009C>G (p.His4337Asp)

Gene: SACS (sacsin molecular chaperone; minus strand). Cytogenetic location: 13q12.12.
Variant type: single nucleotide variant.
Coding change: c.13009C>G on transcript NM_014363.6 (MANE Select); coding-DNA position 13009, C replaced by G.
Protein change: p.His4337Asp; replaces histidine 4337 with aspartic acid.
Molecular consequence: missense variant.
Genome position (GRCh38, 1-based): chr13:23,330,867, G>C on the plus strand (C>G on the coding strand, the complement: SACS is on the minus strand). VCF-style: chr13-23330867-G-C. GRCh37 (hg19) VCF-style: chr13-23905006-G-C.
Other names: c.12568C>G, p.His4190Asp (NM_001278055.2); short protein forms H4337D, H4190D.
Identifiers: ClinVar variation 527992 (VCV000527992.9), dbSNP rs1555249362, ClinGen allele CA387506211.
Genomic context (GRCh38, chr13:23,330,867, plus strand): 5'-TCTGCAAATGTTTAAAAACTTCATTGGCAATGTCATGGTTCTCTGGATTTTTGTCAGGAT[G>C]CCATTTCAAATACAACCGCCTAATAATCTTTTTTCGTTCCGATTCTGGAAGCTTCCATGC-3'
Protein context (NP_055178.3, residues 4327-4347): KIIRRLYLKW[His4337Asp]PDKNPENHDI